The following is an entry in ClinVar:

NM_001042750.2(STAG2):c.2930G>A (p.Gly977Asp)

Gene: STAG2 (STAG2 cohesin complex component; plus strand). Cytogenetic location: Xq25.
Variant type: single nucleotide variant.
Coding change: c.2930G>A on transcript NM_001042750.2 (MANE Select); coding-DNA position 2930, G replaced by A.
Protein change: p.Gly977Asp; replaces glycine 977 with aspartic acid.
Molecular consequence: missense variant.
Genome position (GRCh38, 1-based): chrX:124,083,426, G>A. VCF-style: chrX-124083426-G-A. GRCh37 (hg19) VCF-style: chrX-123217276-G-A.
Other names: c.2930G>A, p.Gly977Asp (NM_001042749.2, NM_001042751.2, NM_001282418.2 and 13 more transcripts); short protein forms G977D.
Identifiers: ClinVar variation 3370787 (VCV003370787.1).

ClinVar aggregate classification (germline): Uncertain significance (1 of 4 stars; one submission).

Submission:

GeneDx
Classification: Uncertain significance. Last evaluated: 2024-03-09. Review status: criteria provided, single submitter. Criteria: GeneDx Variant Classification Process June 2021. Collection method: clinical testing. Allele origin: germline. Affected: yes.
Comment: Not observed at significant frequency in large population cohorts (gnomAD); In silico analysis supports that this missense variant has a deleterious effect on protein structure/function; Has not been previously published as pathogenic or benign to our knowledge